The following is an entry in ClinVar:

ClinVar aggregate classification (germline): Pathogenic/Likely pathogenic. Review status: criteria provided, multiple submitters, no conflicts (2 of 4 stars). 8 submissions from 8 submitters: Pathogenic (1); Likely pathogenic (6). 1 of the submissions does not count toward it. Last evaluated 2025-11-20.

Conditions:
ALPL-related disorder. Also called: ALPL-related disorders; ALPL-related condition.
Adult hypophosphatasia. Identifiers: Orphanet 247676, Orphanet 436, MedGen C0268413, MONDO:1010154, OMIM 146300, MONDO:0007798.
Decreased circulating alkaline phosphatase activity. Identifiers: MedGen C1860130, HP:0003282.
Hypophosphatasia. Also called: Phosphoethanol-aminuria. Identifiers: Orphanet 436, MedGen C0020630, MeSH D007014, MONDO:0018570.
Craniosynostosis and dental anomalies (CRSDA). Also called: KREIBORG-PAKISTANI SYNDROME. Identifiers: Orphanet 284149, MedGen C3280073, MONDO:0013615, OMIM 614188.

Submissions (8):

MVZ Martinsried, Medicover Genetics
Classification: Likely pathogenic for Craniosynostosis and dental anomalies. Last evaluated: 2025-11-20. Review status: criteria provided, single submitter. Criteria: ACGS Guidelines, 2020. Collection method: clinical testing. Allele origin: unknown. Affected: yes. Observed: 1 heterozygote.

Natera, Inc.
Classification: Likely pathogenic for Hypophosphatasia. Last evaluated: 2025-09-30. Review status: criteria provided, single submitter. Criteria: Natera Variant Classification Schema (03/2026). Collection method: clinical testing. Allele origin: germline.
Comment: The c.876_882delAGGGGACinsT variant in ALPL is an in-frame deletion. This variant is rare in the general population with a frequency below the threshold expected for the associated phenotype(s). This variant has been observed in affected individual(s) with monoallelic occurrence (heterozygous/hemizygous) (PMID: 28401263, 33191482, 35421614). This variant results in a change to the protein length while preserving reading frame, which may disrupt normal protein structure or function. Given the available evidence, this variant is classified as Likely Pathogenic.

GeneDx
Classification: Likely pathogenic. Last evaluated: 2025-09-23. Review status: criteria provided, single submitter. Criteria: GeneDx Variant Classification Process June 2021. Collection method: clinical testing. Allele origin: germline. Affected: yes.
Comment: In-frame deletion of two amino acids in a non-repeat region; In silico analysis supports a deleterious effect on protein structure/function; This variant is associated with the following publications: (PMID: 34673643, 33191482, 38884565, 38702915, 39983296)

Genomenon, Inc
Classification: Likely pathogenic for Hypophosphatasia. Last evaluated: 2025-08-29. Review status: criteria provided, single submitter. Criteria: Genomenon Sequence Variant Interpretation Standards. Collection method: curation. Allele origin: germline. Affected: yes.
Comment: ALPL p.Gly293_Asp294del (c.876_882delinsT) is an insertion-deletion variant that results in the deletion of two amino acids, Glycine at position 293 and Aspartic acid at position 294.This variant has been observed in at least one proband affected with hypophosphatasia (PMID:28401263;33191482). It is absent or not present at a significant frequency in gnomAD. In conclusion, we classify ALPL p.Gly293_Asp294del (c.876_882delinsT) as a likely pathogenic variant.

Women's Health and Genetics/Laboratory Corporation of America, LabCorp
Classification: Pathogenic for Hypophosphatasia. Last evaluated: 2025-02-24. Review status: criteria provided, single submitter. Criteria: LabCorp Variant Classification Summary - May 2015. Collection method: clinical testing. Allele origin: germline.
Comment: Variant summary: ALPL c.876_882delinsT (p.Gly293_Asp294del) results in an in-frame deletion that is predicted to remove two amino acids from the encoded protein. The variant was absent in 282238 control chromosomes. c.876_882delinsT is a combination of c.876_881del and a synonymous variant c.882C>T p.Asp294Asp (Likely Benign CV ID 1148574). c.876_881del has been reported in the literature in individuals affected with Hypophosphatasia (example: Spentchian_2003, Internal data). Additionally c.881A>C (p.Asp294Ala) has been classified pathogenic by our lab. This suggests that this residue is clinically significant, and that variants that disrupt this residue are likely to be disease-causing. The following publications have been ascertained in the context of this evaluation (PMID: 34673643, 12815606, 38702915, 33191482). ClinVar contains an entry for this variant (Variation ID: 446464). Based on the evidence outlined above, the variant was classified as pathogenic.

Baylor Genetics
Classification: Likely pathogenic for Adult hypophosphatasia. Last evaluated: 2024-01-21. Review status: criteria provided, single submitter. Criteria: ACMG Guidelines, 2015. Collection method: clinical testing. Allele origin: unknown.

Blueprint Genetics
Classification: Likely pathogenic for ALPL-related disorders. Last evaluated: 2021-12-13. Review status: criteria provided, single submitter. Criteria: ACMG Guidelines, 2015. Collection method: clinical testing. Allele origin: germline. Affected: yes. Observed: 2 variant alleles.

Institute of Human Genetics, University of Wuerzburg
Classification: Likely pathogenic for Decreased circulating alkaline phosphatase activity. Review status: no assertion criteria provided. Collection method: clinical testing. Allele origin: unknown. Not counted in ClinVar's aggregate classification.

Literature cited by the submitters: PubMed 28401263 (cited by Natera, Inc. and Genomenon, Inc); PubMed 33191482 (cited by 3 submitters); PubMed 35421614 (cited by Natera, Inc.); PubMed 12815606 (cited by Women's Health and Genetics/Laboratory Corporation of America, LabCorp); PubMed 38702915 (cited by Women's Health and Genetics/Laboratory Corporation of America, LabCorp); PubMed 34673643 (cited by Women's Health and Genetics/Laboratory Corporation of America, LabCorp).

NM_000478.6(ALPL):c.876_882delinsT (p.Gly293_Asp294del)

Gene: ALPL (alkaline phosphatase, biomineralization associated; plus strand). Cytogenetic location: 1p36.12.
Variant type: Indel.
Coding change: c.876_882delinsT on transcript NM_000478.6 (MANE Select); coding-DNA positions 876 to 882, AGGGGAC replaced by T.
Protein change: p.Gly293_Asp294del.
Molecular consequence: inframe deletion.
Genome position (GRCh38, 1-based): chr1:21,573,678-21,573,684, AGGGGAC replaced by T. VCF-style: chr1-21573678-AGGGGAC-T. GRCh37 (hg19) VCF-style: chr1-21900171-AGGGGAC-T.
Other names: c.876_882delAGGGGACinsT (NM_000478.5); c.711_717delinsT, p.Gly238_Asp239del (NM_001127501.4); c.645_651delinsT, p.Gly216_Asp217del (NM_001177520.3); c.876_882delinsT, p.Gly293_Asp294del (NM_001369803.2, NM_001369804.2, NM_001369805.2); c.876_882delinsT (NM_000478.4).
Identifiers: ClinVar variation 446464 (VCV000446464.10), dbSNP rs1553414078, ClinGen allele CA658656891.